The following is an entry in ClinVar:

NM_001379110.1(SLC9A6):c.766G>C (p.Ala256Pro)

Gene: SLC9A6 (solute carrier family 9 member A6; plus strand). Cytogenetic location: Xq26.3.
Variant type: single nucleotide variant.
Coding change: c.766G>C on transcript NM_001379110.1 (MANE Select); coding-DNA position 766, G replaced by C.
Protein change: p.Ala256Pro; replaces alanine 256 with proline.
Molecular consequence: missense variant.
Genome position (GRCh38, 1-based): chrX:136,010,464, G>C. VCF-style: chrX-136010464-G-C. GRCh37 (hg19) VCF-style: chrX-135092623-G-C.
Other names: c.922G>C, p.Ala308Pro (NM_001042537.2); c.766G>C, p.Ala256Pro (NM_001177651.2, NM_001400909.1, NM_001400910.1 and 2 more transcripts); c.670G>C, p.Ala224Pro (NM_001330652.2, NM_001400913.1); c.826G>C, p.Ala276Pro (NM_006359.3); short protein forms A308P, A276P, A224P, A256P.
Identifiers: ClinVar variation 1916050 (VCV001916050.5), dbSNP rs782376733, ClinGen allele CA414751130.
Genomic context (GRCh38, chrX:136,010,464, plus strand): 5'-GGTTGTTTTCAGAAGTAAAAGCAGTCTCTCTTCTGTAGCTCAATAGTGGCATACCAGCCA[G>C]CTGGAGACAACAGTCACACCTTTGATGTCACAGCGATGTTCAAGTCTATTGGGATCTTCC-3'
Protein context (NP_001366039.1, residues 246-266): LSSSIVAYQP[Ala256Pro]GDNSHTFDVT

ClinVar aggregate classification (germline): Uncertain significance (1 of 4 stars; one submission).

Conditions:
Christianson syndrome (MRXSCH). Also called: SLC9A6-Related Syndromic Mental Retardation; INTELLECTUAL DEVELOPMENTAL DISORDER, X-LINKED, SYNDROMIC, CHRISTIANSON TYPE; X-linked mental retardation, syndromic, Christianson type. Identifiers: Orphanet 85278, MedGen C2678194, MONDO:0010278, OMIM 300243.

Allele frequency attached by ClinVar (database versions not stated): gnomAD exomes below 0.00001.
gnomAD v4.1: 1 of 1,211,509 alleles (0.000083%); highest among the groups gnomAD compares: Admixed American, 0.0022%; no homozygotes.

Submission:

Labcorp Genetics (formerly Invitae), Labcorp
Classification: Uncertain significance for Christianson syndrome. Last evaluated: 2024-05-08. Review status: criteria provided, single submitter. Criteria: Invitae Variant Classification Sherloc (09022015). Collection method: clinical testing. Allele origin: germline.
Comment: This sequence change replaces alanine, which is neutral and non-polar, with proline, which is neutral and non-polar, at codon 276 of the SLC9A6 protein (p.Ala276Pro). This variant is present in population databases (no rsID available, gnomAD 0.004%). This variant has not been reported in the literature in individuals affected with SLC9A6-related conditions. ClinVar contains an entry for this variant (Variation ID: 1916050). Advanced modeling of protein sequence and biophysical properties (such as structural, functional, and spatial information, amino acid conservation, physicochemical variation, residue mobility, and thermodynamic stability) performed at Invitae indicates that this missense variant is not expected to disrupt SLC9A6 protein function with a negative predictive value of 80%. In summary, the available evidence is currently insufficient to determine the role of this variant in disease. Therefore, it has been classified as a Variant of Uncertain Significance.